The following is an entry in ClinVar:

ClinVar aggregate classification (germline): Likely benign. Review status: criteria provided, multiple submitters, no conflicts (2 of 4 stars). 2 submissions from 2 submitters: Likely benign (2). Last evaluated 2026-01-13.

Conditions:
Congenital adrenal hyperplasia due to cytochrome P450 oxidoreductase deficiency. Also called: DISORDERED STEROIDOGENESIS DUE TO POR DEFICIENCY. Identifiers: Orphanet 95699, MedGen C1860042, MONDO:0013310, OMIM 613571.

Allele frequency attached by ClinVar (database versions not stated): gnomAD 0.00013 and 0.00014; TOPMed 0.00014; ExAC 0.00018; gnomAD exomes 0.00020 and 0.00021; ESP Exome Variant Server 0.00023; 1000 Genomes Project 0.00040; 1000 Genomes Project 30x 0.00047.
gnomAD v4.1: 329 of 1,613,484 alleles (0.02%); highest among the groups gnomAD compares: South Asian, 0.025%; 1 homozygote.

Submissions (2):

Labcorp Genetics (formerly Invitae), Labcorp
Classification: Likely benign for Congenital adrenal hyperplasia due to cytochrome P450 oxidoreductase deficiency. Last evaluated: 2026-01-13. Review status: criteria provided, single submitter. Criteria: Invitae Variant Classification Sherloc (09022015). Collection method: clinical testing. Allele origin: germline.

Women's Health and Genetics/Laboratory Corporation of America, LabCorp
Classification: Likely benign. Last evaluated: 2023-03-16. Review status: criteria provided, single submitter. Criteria: LabCorp Variant Classification Summary - May 2015. Collection method: clinical testing. Allele origin: germline.
Comment: Variant summary: POR c.335C>T/p.Ala112Val (legacy name c.344C>T) results in a non-conservative amino acid change located in the Flavodoxin/nitric oxide synthase domain (IPR008254) of the encoded protein sequence. Three of five in-silico tools predict a benign effect of the variant on protein function. The variant allele was found at a frequency of 0.0002 in 248082 control chromosomes. This frequency is not significantly higher than estimated for a pathogenic variant in POR causing Congenital Adrenal Hyperplasia (0.0002 vs 0.00091), allowing no conclusion about variant significance. c.335C>T has been reported in the literature as a non-informative genotype (second allele not specified) in an individual with a diagnosis of Beare-Stevenson craniosynostosis syndrome attributed to a variant in the FGFR2 gene (example, Huang_2005). These report(s) do not provide unequivocal conclusions about association of the variant with Congenital Adrenal Hyperplasia/Antley-Bixler/POR-associated phenotypes. At least one publication reports experimental evidence evaluating an impact on protein function (Huang_2005). The most pronounced variant effect results in >70%-80% of normal activity in vitro in P450c17 assays leading to its assertion as a "polymorphism". One clinical diagnostic laboratory has submitted clinical-significance assessments for this variant to ClinVar after 2014 without evidence for independent evaluation and classified the variant as likely benign. Based on the evidence outlined above, the variant was classified as likely benign.

Literature cited by the submitters: PubMed 15793702 (cited by Women's Health and Genetics/Laboratory Corporation of America, LabCorp).

NM_001395413.1(POR):c.335C>T (p.Ala112Val)

Gene: POR (cytochrome p450 oxidoreductase; plus strand). Cytogenetic location: 7q11.23.
Variant type: single nucleotide variant.
Coding change: c.335C>T on transcript NM_001395413.1 (MANE Select); coding-DNA position 335, C replaced by T.
Protein change: p.Ala112Val; replaces alanine 112 with valine.
Molecular consequence: missense variant.
Genome position (GRCh38, 1-based): chr7:75,979,557, C>T. VCF-style: chr7-75979557-C-T. GRCh37 (hg19) VCF-style: chr7-75608875-C-T.
Other names: c.335C>T, p.Ala112Val (NM_001367562.3, NM_001382657.2, NM_001382658.3 and 2 more transcripts); c.389C>T, p.Ala130Val (NM_001382655.3); short protein forms A112V, A130V.
Identifiers: ClinVar variation 784821 (VCV000784821.11), dbSNP rs199634961, ClinGen allele CA4303588.
Genomic context (GRCh38, chr7:75,979,557, plus strand): 5'-AGGAGTTTGCCAACCGCCTGTCCAAGGACGCCCACCGCTACGGGATGCGAGGCATGTCAG[C>T]GGACCCTGAGGAGTATGACCTGGTAAGCTGCCACCGCGTGCTGGCCCCAGATGGAGGCAG-3'
Protein context (NP_001382342.1, residues 102-122): AHRYGMRGMS[Ala112Val]DPEEYDLADL